The following is an entry in ClinVar:

NM_004304.5(ALK):c.4737T>A (p.Cys1579Ter)

Gene: ALK (ALK receptor tyrosine kinase; minus strand). Cytogenetic location: 2p23.2.
Variant type: single nucleotide variant.
Coding change: c.4737T>A on transcript NM_004304.5 (MANE Select); coding-DNA position 4737, T replaced by A.
Protein change: p.Cys1579Ter; replaces cysteine 1579 with a stop codon.
Molecular consequence: nonsense.
Genome position (GRCh38, 1-based): chr2:29,193,350, A>T on the plus strand (T>A on the coding strand, the complement: ALK is on the minus strand). VCF-style: chr2-29193350-A-T. GRCh37 (hg19) VCF-style: chr2-29416216-A-T.
Other names: c.1533T>A, p.Cys511Ter (NM_001353765.2); c.4737T>A (NM_004304.4); short protein forms C1579*, C511*.
Identifiers: ClinVar variation 1522114 (VCV001522114.7), dbSNP rs553333897, ClinGen allele CA346460354.

ClinVar aggregate classification (germline): Uncertain significance. Review status: criteria provided, multiple submitters, no conflicts (2 of 4 stars). 2 submissions from 2 submitters: Uncertain significance (2). Last evaluated 2026-05-05.

Conditions:
Neuroblastoma, susceptibility to, 3. Also called: ALK-Related Neuroblastic Tumor Susceptibility. Identifiers: Orphanet 635, MedGen C2751681, MONDO:0013083, OMIM 613014.
Hereditary cancer-predisposing syndrome. Also called: Tumor predisposition; Neoplastic Syndromes, Hereditary; Hereditary Cancer Syndrome; Hereditary neoplastic syndrome. Identifiers: Orphanet 140162, MedGen C0027672, MeSH D009386, MONDO:0015356.

Submissions (2):

Ambry Genetics
Classification: Uncertain significance for Hereditary cancer-predisposing syndrome. Last evaluated: 2026-05-05. Review status: criteria provided, single submitter. Criteria: Ambry Variant Classification Scheme 2023. Collection method: clinical testing. Allele origin: germline.
Comment: The p.C1579* variant (also known as c.4737T>A), located in coding exon 29 of the ALK gene, results from a T to A substitution at nucleotide position 4737. This changes the amino acid from a cysteine to a stop codon within coding exon 29. This variant occurs at the 3' terminus of the gene and is not expected to trigger nonsense-mediated mRNA decay. Based on the available evidence, the clinical significance of this variant remains unclear.

Labcorp Genetics (formerly Invitae), Labcorp
Classification: Uncertain significance for Neuroblastoma, susceptibility to, 3. Last evaluated: 2021-10-01. Review status: criteria provided, single submitter. Criteria: Invitae Variant Classification Sherloc (09022015). Collection method: clinical testing. Allele origin: germline.
Comment: This variant has not been reported in the literature in individuals affected with ALK-related conditions. In summary, the available evidence is currently insufficient to determine the role of this variant in disease. Therefore, it has been classified as a Variant of Uncertain Significance. Experimental studies and prediction algorithms are not available or were not evaluated, and the functional significance of this variant is currently unknown. This variant is not present in population databases (ExAC no frequency). This sequence change creates a premature translational stop signal (p.Cys1579*) in the ALK gene. While this is not anticipated to result in nonsense mediated decay, it is expected to disrupt the last 42 amino acid(s) of the ALK protein.